The following is an entry in ClinVar:

ClinVar aggregate classification (germline): Uncertain significance (1 of 4 stars; one submission).

Conditions:
Inborn genetic diseases. Identifiers: MedGen C0950123, MeSH D030342.

Submission:

Ambry Genetics
Classification: Uncertain significance for Inborn genetic diseases. Last evaluated: 2025-12-11. Review status: criteria provided, single submitter. Criteria: Ambry Variant Classification Scheme 2023. Collection method: clinical testing. Allele origin: germline.
Comment: The p.M1? variant (also known as 3G>A) is located in coding exon 1 of the ETV6 gene and results from a G to A substitution at nucleotide position 3. This alters the methionine residue at the initiation codon (ATG). This variant is considered to be rare based on population cohorts in the Genome Aggregation Database (gnomAD). This amino acid position is highly conserved in available vertebrate species. Variations that modify the initiation codon (ATG) are expected to result in either loss of translation initiation, N-terminal truncation, or cause a shift in the mRNA reading frame; however, there is an in-frame methionine 43 amino acids from the initiation site, which may result in N-terminal truncation of unknown functional significance.

NM_001987.5(ETV6):c.3G>A (p.Met1Ile)

Gene: ETV6 (ETS variant transcription factor 6; plus strand). Cytogenetic location: 12p13.2.
Variant type: single nucleotide variant.
Coding change: c.3G>A on transcript NM_001987.5 (MANE Select); coding-DNA position 3, G replaced by A.
Protein change: p.Met1Ile; changes the start codon (methionine 1).
Molecular consequence: missense variant, initiator codon variant. On other transcripts: 5 prime UTR variant (2).
Genome position (GRCh38, 1-based): chr12:11,650,130, G>A. VCF-style: chr12-11650130-G-A. GRCh37 (hg19) VCF-style: chr12-11803064-G-A.
Other names: c.3G>A, p.Met1Ile (NM_001413913.1, NM_001413916.1, NM_001413917.1 and 1 more transcripts); c.-150G>A (NM_001413914.1); c.-132G>A (NM_001413915.1); short protein forms M1I.
Identifiers: ClinVar variation 4618866 (VCV004618866.1).